The following is an entry in ClinVar:

ClinVar aggregate classification (germline): Uncertain significance. Review status: criteria provided, multiple submitters, no conflicts (2 of 4 stars). 2 submissions from 2 submitters: Uncertain significance (2). Last evaluated 2025-08-28.

Conditions:
MC4R-related disorder. Also called: MC4R-related condition.
Obesity. Also called: Obesity disorder. Identifiers: Orphanet 71529, MedGen C0028754, MeSH D009765, MONDO:0011122, HP:0001513.

Allele frequency attached by ClinVar (database versions not stated): ExAC 0.00001; gnomAD 0.00001; gnomAD exomes 0.00001.

Submissions (2):

PreventionGenetics, part of Exact Sciences
Classification: Uncertain significance for MC4R-related condition. Last evaluated: 2025-08-28. Review status: criteria provided, single submitter. Criteria: ACMG Guidelines, 2015. Collection method: clinical testing. Allele origin: germline.
Comment: The MC4R c.645G>A variant is predicted to result in the amino acid substitution p.Met215Ile. This variant has been reported in the heterozygous state in patients with obesity (De Rosa et al. 2019. PubMed ID: 30811542; Fessikh et al. 2021. PubMed ID: 34815872) but has also been detected in one lean individual (Herrfurth et al. 2018. PubMed ID: 30134862). In vitro studies indicate that the p.Met215Ile variant displays reduced cell surface expression, reduced maximal signaling capacity, and loss of MAP kinase signaling, which is consistent with reduced MC4R function (Herrfurth et al. 2018. PubMed ID: 30134862). This variant is reported in 0.0018% of alleles in individuals of European (Non-Finnish) descent in gnomAD. An alternative missense variant at the same amino acid position has been reported in the compound heterozygous state in a patient with early-onset obesity and hypogonadism (Kleinendorst et al. 2018. PubMed ID: 29970488). Although we suspect that the c.645G>A (p.Met215Ile) variant may be pathogenic, at this time, the clinical significance of this variant is uncertain due to the absence of conclusive functional and genetic evidence.

Illumina Laboratory Services, Illumina
Classification: Uncertain significance for Inherited obesity. Last evaluated: 2018-01-13. Review status: criteria provided, single submitter. Criteria: ICSL Variant Classification Criteria 13 December 2019. Collection method: clinical testing. Allele origin: germline.

NM_005912.3(MC4R):c.645G>A (p.Met215Ile)

Gene: MC4R (melanocortin 4 receptor; minus strand). Cytogenetic location: 18q21.32.
Variant type: single nucleotide variant.
Coding change: c.645G>A on transcript NM_005912.3 (MANE Select); coding-DNA position 645, G replaced by A.
Protein change: p.Met215Ile; replaces methionine 215 with isoleucine.
Molecular consequence: missense variant.
Genome position (GRCh38, 1-based): chr18:60,371,705, C>T on the plus strand (G>A on the coding strand, the complement: MC4R is on the minus strand). VCF-style: chr18-60371705-C-T. GRCh37 (hg19) VCF-style: chr18-58038938-C-T.
Other names: short protein forms M215I.
Identifiers: ClinVar variation 892153 (VCV000892153.5), dbSNP rs768687497, ClinGen allele CA8980874.
Genomic context (GRCh38, chr18:60,371,705, plus strand): 5'-GATGGCACCAGTGCCGGGGAGGACAGCAATCCTCTTAATGTGAAGCCTGGCCATCAGGAA[C>T]ATGTGGACATAGAGAGAAGCCATGAGAGCCAGCATGGTGAAGAACATGGTGATGAGGCAG-3'
Protein context (NP_005903.2, residues 205-225): LALMASLYVH[Met215Ile]FLMARLHIKR